The following is an entry in ClinVar:

ClinVar aggregate classification (germline): Benign. Review status: criteria provided, multiple submitters, no conflicts (2 of 4 stars). 11 submissions from 11 submitters: Benign (9). 2 of the submissions do not count toward it. Last evaluated 2026-02-04.

Conditions:
Acquired hemoglobin H disease (ATMDS). Also called: Alpha-thalassemia myelodysplasia syndrome, somatic; Alpha-thalassemia myelodysplasia syndrome; Alpha-thalassemia-myelodysplastic syndrome. Identifiers: Orphanet 231401, MedGen C0585216, MONDO:0010328, OMIM 300448.
Alpha thalassemia-X-linked intellectual disability syndrome (ATRX). Also called: ALPHA-THALASSEMIA/MENTAL RETARDATION SYNDROME, X-LINKED; ATR-X syndrome; Alpha thalassemia mental retardation syndrome, nondeletion type, X-linked; XLMR hypotonic face syndrome; ATR, NONDELETION TYPE; X-linked alpha-thalassemia-mental retardation syndrome. Identifiers: Orphanet 847, MedGen C1845055, MONDO:0010519, OMIM 301040.
Intellectual disability-hypotonic facies syndrome, X-linked, 1 (MRXHF1). Also called: Smith Fineman Myers syndrome 1; CHUDLEY-LOWRY SYNDROME; Chudley syndrome 1; Chudley-Lowry-Hoar syndrome; Carpenter-Waziri syndrome; XLMR-HYPOTONIC FACIES SYNDROME. Identifiers: Orphanet 73220, Orphanet 93970, Orphanet 93971, Orphanet 93972, Orphanet 93973, Orphanet 93974, Orphanet 93975, MedGen C4759781, MONDO:0010663, OMIM 309580.
Inborn genetic diseases. Identifiers: MedGen C0950123, MeSH D030342.

Allele frequency attached by ClinVar (database versions not stated): gnomAD exomes 0.00565 and 0.01569; ExAC 0.02345; gnomAD 0.05459 and 0.05840; 1000 Genomes Project 0.05828; 1000 Genomes Project 30x 0.05973; TOPMed 0.06368; ESP Exome Variant Server 0.06915.
gnomAD v4.1: 12,661 of 1,206,214 alleles (1%); highest among the groups gnomAD compares: African/African-American, 19%; 810 homozygotes.

Submissions (11):

Labcorp Genetics (formerly Invitae), Labcorp
Classification: Benign for Alpha thalassemia-X-linked intellectual disability syndrome. Last evaluated: 2026-02-04. Review status: criteria provided, single submitter. Criteria: Invitae Variant Classification Sherloc (09022015). Collection method: clinical testing. Allele origin: germline.

Women's Health and Genetics/Laboratory Corporation of America, LabCorp
Classification: Benign. Last evaluated: 2025-11-14. Review status: criteria provided, single submitter. Criteria: LabCorp Variant Classification Summary - May 2015. Collection method: clinical testing. Allele origin: germline.

Fulgent Genetics
Classification: Benign for Acquired hemoglobin H disease; Alpha thalassemia-X-linked intellectual disability syndrome; Intellectual disability-hypotonic facies syndrome, X-linked, 1. Last evaluated: 2022-02-15. Review status: criteria provided, single submitter. Criteria: ACMG Guidelines, 2015. Collection method: clinical testing. Allele origin: unknown.

Mayo Clinic Laboratories, Mayo Clinic
Classification: Benign. Last evaluated: 2018-04-10. Review status: criteria provided, single submitter. Criteria: ACMG Guidelines, 2015. Collection method: clinical testing. Allele origin: germline. Observed: 16 variant alleles.

Ambry Genetics
Classification: Benign for Inborn genetic diseases. Last evaluated: 2015-11-09. Review status: criteria provided, single submitter. Criteria: Ambry Variant Classification Scheme 2023. Collection method: clinical testing. Allele origin: germline.

GeneDx
Classification: Benign. Last evaluated: 2015-03-03. Review status: criteria provided, single submitter. Criteria: GeneDx Variant Classification Process June 2021. Collection method: clinical testing. Allele origin: germline. Affected: yes.

Eurofins Ntd Llc (ga)
Classification: Benign. Last evaluated: 2013-05-28. Review status: criteria provided, single submitter. Criteria: EGL Classification Definitions 2015. Collection method: clinical testing. Allele origin: germline. Observed: 6 variant alleles, 1 heterozygote, 2 homozygotes, 3 hemizygotes.

Breakthrough Genomics
Classification: Benign. Review status: criteria provided, single submitter. Criteria: ACMG Guidelines, 2015. Collection method: not provided. Allele origin: germline. Inheritance: X-linked inheritance. Affected: yes.

PreventionGenetics, part of Exact Sciences
Classification: Benign. Review status: criteria provided, single submitter. Criteria: ACMG Guidelines, 2015. Collection method: clinical testing. Allele origin: germline.

Natera, Inc.
Classification: Benign for X-linked alpha-thalassemia-mental retardation syndrome. Last evaluated: 2020-09-16. Review status: no assertion criteria provided. Collection method: clinical testing. Allele origin: germline. Not counted in ClinVar's aggregate classification.

Genetic Services Laboratory, University of Chicago
Classification: Likely benign for AllHighlyPenetrant. Review status: no assertion criteria provided. Collection method: clinical testing. Allele origin: germline. Inheritance: X-linked inheritance. Not counted in ClinVar's aggregate classification.
Comment: Likely benign based on allele frequency in 1000 Genomes Project or ESP global frequency and its presence in a patient with a rare or unrelated disease phenotype. NOT Sanger confirmed.

NM_000489.6(ATRX):c.4659T>C (p.His1553=)

Gene: ATRX (ATRX chromatin remodeler; minus strand). Cytogenetic location: Xq21.1.
Variant type: single nucleotide variant.
Coding change: c.4659T>C on transcript NM_000489.6 (MANE Select); coding-DNA position 4659, T replaced by C.
Protein change: p.His1553=; no amino-acid change (histidine 1553 retained).
Molecular consequence: synonymous variant.
Genome position (GRCh38, 1-based): chrX:77,635,955, A>G on the plus strand (T>C on the coding strand, the complement: ATRX is on the minus strand). VCF-style: chrX-77635955-A-G. GRCh37 (hg19) VCF-style: chrX-76891446-A-G.
Other names: p.His1553=; c.4545T>C, p.His1515= (NM_138270.5).
Identifiers: ClinVar variation 93140 (VCV000093140.32), dbSNP rs25641, ClinGen allele CA146689.